The following is an entry in ClinVar:

ClinVar aggregate classification (germline): Pathogenic (1 of 4 stars; one submission).

Conditions:
Nemaline myopathy 2 (NEM2). Also called: Nemaline myopathy 2, autosomal recessive. Identifiers: MedGen C1850569, MONDO:0009725, OMIM 256030.

Submission:

Labcorp Genetics (formerly Invitae), Labcorp
Classification: Pathogenic for Nemaline myopathy 2. Last evaluated: 2024-11-09. Review status: criteria provided, single submitter. Criteria: Invitae Variant Classification Sherloc (09022015). Collection method: clinical testing. Allele origin: germline.
Comment: This sequence change creates a premature translational stop signal (p.Cys7328*) in the NEB gene. It is expected to result in an absent or disrupted protein product. Loss-of-function variants in NEB are known to be pathogenic (PMID: 25205138). This variant is not present in population databases (gnomAD no frequency). This variant has not been reported in the literature in individuals affected with NEB-related conditions. Algorithms developed to predict the effect of sequence changes on RNA splicing suggest that this variant may disrupt the consensus splice site. For these reasons, this variant has been classified as Pathogenic.

Literature cited by the submitters: PubMed 25205138.

NM_001164508.2(NEB):c.21879del (p.Gly7292_Cys7293insTer)

Genes: NEB (nebulin; minus strand), RIF1 (replication timing regulatory factor 1; plus strand). Cytogenetic location: 2q23.3.
Variant type: Deletion.
Coding change: c.21879del on transcript NM_001164508.2 (MANE Select); coding-DNA position 21879, one base deleted (C; older notation c.21879delC).
Protein change: p.Gly7292_Cys7293insTer.
Molecular consequence: nonsense.
Genome position (GRCh38, 1-based): chr2:151,526,984, G deleted on the plus strand (C on the coding strand, the reverse complement: NEB is on the minus strand). VCF-style (leftmost placement, unchanged base first): chr2-151526983-TG-T. GRCh37 (hg19) VCF-style: chr2-152383497-TG-T.
Other names: c.21879del, p.Gly7292_Cys7293insTer (NM_001164507.2); c.21984del, p.Gly7327_Cys7328insTer (NM_001271208.2); c.16776del, p.Gly5591_Cys5592insTer (NM_004543.5).
Identifiers: ClinVar variation 3716616 (VCV003716616.2).